The following is an entry in ClinVar:

ClinVar aggregate classification (germline): Benign/Likely benign. Review status: criteria provided, multiple submitters, no conflicts (2 of 4 stars). 8 submissions from 8 submitters: Benign (5); Likely benign (1). 2 of the submissions do not count toward it. Last evaluated 2025-04-09.

Allele frequency attached by ClinVar (database versions not stated): gnomAD exomes 0.00061 and 0.00147; ExAC 0.00196; 1000 Genomes Project 30x 0.00547; 1000 Genomes Project 0.00579; gnomAD 0.00579 and 0.00626; ESP Exome Variant Server 0.00615; TOPMed 0.00668.
gnomAD v4.1: 1,814 of 1,612,694 alleles (0.11%); highest among the groups gnomAD compares: African/African-American, 2.1%; 18 homozygotes.

Submissions (8):

Molecular Diagnostic Laboratory for Inherited Cardiovascular Disease, Montreal Heart Institute
Classification: Benign. Last evaluated: 2025-04-09. Review status: criteria provided, single submitter. Criteria: ACMG Guidelines, 2015. Collection method: clinical testing. Allele origin: germline. Affected: no.

Blueprint Genetics
Classification: Likely benign. Last evaluated: 2024-11-20. Review status: criteria provided, single submitter. Criteria: ACMG Guidelines, 2015. Collection method: clinical testing. Allele origin: germline.

ARUP Laboratories, Molecular Genetics and Genomics, ARUP Laboratories
Classification: Benign. Last evaluated: 2021-02-04. Review status: criteria provided, single submitter. Criteria: ARUP Molecular Germline Variant Investigation Process 2021. Collection method: clinical testing. Allele origin: germline.

GeneDx
Classification: Benign. Last evaluated: 2014-12-19. Review status: criteria provided, single submitter. Criteria: GeneDx Variant Classification (06012015). Collection method: clinical testing. Allele origin: germline. Affected: yes.
Comment: This variant is considered likely benign or benign based on one or more of the following criteria: it is a conservative change, it occurs at a poorly conserved position in the protein, it is predicted to be benign by multiple in silico algorithms, and/or has population frequency not consistent with disease.

Laboratory for Molecular Medicine, Mass General Brigham Personalized Medicine
Classification: Benign. Last evaluated: 2013-03-19. Review status: criteria provided, single submitter. Criteria: LMM Criteria. Collection method: clinical testing. Allele origin: germline. Observed: 1 variant allele.
Comment: Gln4356Gln in exon 45A of TTN: This variant is not expected to have clinical sig nificance because it has been identified in 1.8% (78/4406) of African American c hromosomes from a broad population by the NHLBI Exome Sequencing Project (dbSNP rs16866490).

Breakthrough Genomics
Classification: Benign. Review status: criteria provided, single submitter. Criteria: ACMG Guidelines, 2015. Collection method: not provided. Allele origin: germline. Inheritance: Autosomal recessive inheritance. Affected: yes.

Clinical Genetics DNA and cytogenetics Diagnostics Lab, Erasmus MC, Erasmus Medical Center
Classification: Benign. Review status: no assertion criteria provided. Collection method: clinical testing. Allele origin: germline. Affected: yes. Study: VKGL Data-share Consensus. Not counted in ClinVar's aggregate classification.

Clinical Genetics, Academic Medical Center
Classification: Benign. Review status: no assertion criteria provided. Collection method: clinical testing. Allele origin: germline. Affected: yes. Study: VKGL Data-share Consensus. Not counted in ClinVar's aggregate classification.

NM_133379.5(TTN):c.13068A>G (p.Gln4356=)

Gene: TTN (titin; minus strand). Cytogenetic location: 2q31.2.
Variant type: single nucleotide variant.
Coding change: c.13068A>G on transcript NM_133379.5; coding-DNA position 13068, A replaced by G.
Protein change: p.Gln4356=; no amino-acid change (glutamine 4356 retained).
Molecular consequence: synonymous variant. On other transcripts: intron variant (6).
Genome position (GRCh38, 1-based): chr2:178,749,332, T>C on the plus strand (A>G on the coding strand, the complement: TTN is on the minus strand). VCF-style: chr2-178749332-T-C. GRCh37 (hg19) VCF-style: chr2-179614059-T-C.
Other names: p.Q4356Q:CAA>CAG; c.10360+3792A>G (NM_001256850.1, NM_133378.4); c.10222+3792A>G (NM_003319.4); c.10798+3792A>G (NM_133437.4); c.10597+3792A>G (NM_133432.3); c.11311+3792A>G (NM_001267550.2); c.13068A>G (NM_133379.4).
Identifiers: ClinVar variation 177966 (VCV000177966.18), dbSNP rs16866490, ClinGen allele CA295663.
Genomic context (GRCh38, chr2:178,749,332, plus strand): 5'-CTCTGCTTGGTGCAGCTTTGATTTTTCACTTACATGTCTCTCTTTCCCTTCAGCCTGACA[T>C]TGTATGAATTCAGCCCTGATGGGCTTGCTGATTTTTATGGTTCTTGAAGCACCATGCACA-3'